The following is an entry in ClinVar:

ClinVar aggregate classification (germline): Benign. Review status: criteria provided, multiple submitters, no conflicts (2 of 4 stars). 2 submissions from 2 submitters: Benign (2). Last evaluated 2018-01-12.

Conditions:
Hyperphosphatasia with impaired intellectual development syndrome 1. Also called: MABRY SYNDROME; GLYCOSYLPHOSPHATIDYLINOSITOL BIOSYNTHESIS DEFECT 2; Hyperphosphatasia with intellectual disability syndrome 1. Identifiers: Orphanet 247262, MedGen C4551502, MONDO:0009398, OMIM 239300.

Allele frequency attached by ClinVar (database versions not stated): TOPMed 0.05303; gnomAD 0.05897; gnomAD exomes 0.09211; 1000 Genomes Project 0.02796; 1000 Genomes Project 30x 0.02826.

Submissions (2):

Illumina Laboratory Services, Illumina
Classification: Benign for Hyperphosphatasia with impaired intellectual development syndrome 1. Last evaluated: 2018-01-12. Review status: criteria provided, single submitter. Criteria: ICSL Variant Classification Criteria 13 December 2019. Collection method: clinical testing. Allele origin: germline.
Comment: This variant was observed in the ICSL laboratory as part of a predisposition screen in an ostensibly healthy population. It had not been previously curated by ICSL or reported in the Human Gene Mutation Database (HGMD: prior to June 1st, 2018), and was therefore a candidate for classification through an automated scoring system. Utilizing variant allele frequency, disease prevalence and penetrance estimates, and inheritance mode, an automated score was calculated to assess if this variant is too frequent to cause the disease. Based on the score and internal cut-off values, a variant classified as benign is not then subjected to further curation. The score for this variant resulted in a classification of benign for this disease.

Breakthrough Genomics
Classification: Benign. Review status: criteria provided, single submitter. Criteria: ACMG Guidelines, 2015. Collection method: not provided. Allele origin: germline. Inheritance: Autosomal recessive inheritance. Affected: yes.

NM_017837.4(PIGV):c.-338A>C

Gene: PIGV (phosphatidylinositol glycan anchor biosynthesis class V; plus strand). Cytogenetic location: 1p36.11.
Variant type: single nucleotide variant.
Coding change: c.-338A>C on transcript NM_017837.4 (MANE Select); 338 bases upstream of the start codon, A replaced by C.
Molecular consequence: 5 prime UTR variant. On other transcripts: non-coding transcript variant (2), intron variant (4).
Genome position (GRCh38, 1-based): chr1:26,787,988, A>C. VCF-style: chr1-26787988-A-C. GRCh37 (hg19) VCF-style: chr1-27114479-A-C.
Other names: c.-59A>C (NM_001374480.1); c.-338A>C (NM_001374486.1); c.-58+770A>C (NM_001374478.1); c.-58+182A>C (NM_001374481.1, NM_001374484.1); c.-304+182A>C (NM_001374483.1).
Identifiers: ClinVar variation 297110 (VCV000297110.6), dbSNP rs113400508, ClinGen allele CA10610887.